The following is an entry in ClinVar:

NM_000059.4(BRCA2):c.599C>T (p.Thr200Ile)

Gene: BRCA2 (BRCA2 DNA repair associated; plus strand). Cytogenetic location: 13q13.1.
Variant type: single nucleotide variant.
Coding change: c.599C>T on transcript NM_000059.4 (MANE Select); coding-DNA position 599, C replaced by T.
Protein change: p.Thr200Ile; replaces threonine 200 with isoleucine.
Molecular consequence: missense variant.
Genome position (GRCh38, 1-based): chr13:32,326,581, C>T. VCF-style: chr13-32326581-C-T. GRCh37 (hg19) VCF-style: chr13-32900718-C-T.
Other names: short protein forms T200I.
Identifiers: ClinVar variation 140966 (VCV000140966.36), dbSNP rs587781402, ClinGen allele CA023487.
Genomic context (GRCh38, chr13:32,326,581, plus strand): 5'-TTTCTGAAAGTCTAGGAGCTGAGGTGGATCCTGATATGTCTTGGTCAAGTTCTTTAGCTA[C>T]ACCACCCACCCTTAGTTCTACTGTGCTCATAGGTAATAATAGCAAATGTGTATTTACAAG-3'
Protein context (NP_000050.3, residues 190-210): PDMSWSSSLA[Thr200Ile]PPTLSSTVLI

ClinVar aggregate classification (germline): Conflicting classifications of pathogenicity. Review status: criteria provided, conflicting classifications (1 of 4 stars). 12 submissions from 12 submitters: Uncertain significance (5); Likely benign (6). 1 of the submissions does not count toward it. Last evaluated 2026-01-22.

Conditions:
BRCA2-related cancer predisposition. Identifiers: MedGen CN377758, MONDO:0700269.
Hereditary cancer-predisposing syndrome. Also called: Neoplastic Syndromes, Hereditary; Hereditary Cancer Syndrome; Hereditary neoplastic syndrome; Tumor predisposition. Identifiers: Orphanet 140162, MedGen C0027672, MeSH D009386, MONDO:0015356.
Hereditary breast ovarian cancer syndrome. Also called: Hereditary breast and ovarian cancer syndrome; Hereditary breast and/or ovarian cancer syndrome; BRCA1- and BRCA2-Associated Hereditary Breast and Ovarian Cancer; Hereditary breast and ovarian cancer; Breast and ovarian cancer; Hereditary breast and ovarian cancer syndrome (HBOC). Identifiers: Orphanet 145, MedGen C0677776, MeSH D061325, MONDO:0003582. Disease mechanism: loss of function.
Breast-ovarian cancer, familial, susceptibility to, 2 (BROVCA2). Also called: BRCA2 Hereditary Breast and Ovarian Cancer. Identifiers: Orphanet 145, MedGen C2675520, MONDO:0012933, OMIM 612555. Disease mechanism: loss of function.

Allele frequency attached by ClinVar (database versions not stated): gnomAD exomes below 0.00001; gnomAD 0.00001; TOPMed 0.00002.
gnomAD v4.1: 8 of 1,611,452 alleles (0.0005%); highest among the groups gnomAD compares: Admixed American, 0.005%; no homozygotes.

Submissions (12):

Labcorp Genetics (formerly Invitae), Labcorp
Classification: Likely benign for Hereditary breast ovarian cancer syndrome. Last evaluated: 2026-01-22. Review status: criteria provided, single submitter. Criteria: Invitae Variant Classification Sherloc (09022015). Collection method: clinical testing. Allele origin: germline.

Quest Diagnostics Nichols Institute San Juan Capistrano
Classification: Uncertain significance. Last evaluated: 2025-07-20. Review status: criteria provided, single submitter. Criteria: Quest Diagnostics criteria. Collection method: clinical testing. Allele origin: unknown.
Comment: The BRCA2 c.599C>T (p.Thr200Ile) variant has been reported in the published literature in individuals affected with breast and/or ovarian cancer (PMID: 16875939 (2006), 26780556 (2016), 28664506 (2017), 30254663 (2018), 32438681 (2020), 33471991 (2021), see also LOVD, 33484353 (2021)). Assessment of experimental evidence regarding the effect of this variant on protein function suggests it has no effect relevant to disease (PMID: 29988080 (2018), 23983145 (2013), 26780556 (2016)). The frequency of this variant in the general population (Genome Aggregation Database) is uninformative in the assessment of its pathogenicity. Analysis of this variant using bioinformatics tools for the prediction of the effect of amino acid changes on protein structure and function yielded conflicting predictions that this variant is benign or damaging. Based on the available information, we are unable to determine the clinical significance of this variant.

Myriad Genetics, Inc.
Classification: Likely benign for Breast-ovarian cancer, familial, susceptibility to, 2. Last evaluated: 2025-03-05. Review status: criteria provided, single submitter. Criteria: Myriad Autosomal Dominant, Autosomal Recessive and X-Linked Classification Criteria (2023). Collection method: clinical testing. Allele origin: unknown.
Comment: This variant is considered likely benign. This variant is strongly associated with less severe personal and family histories of cancer, typical for individuals without pathogenic variants in this gene [PMID: 25085752].

Color Diagnostics, LLC DBA Color Health
Classification: Uncertain significance for Hereditary cancer-predisposing syndrome. Last evaluated: 2025-03-04. Review status: criteria provided, single submitter. Criteria: ACMG Guidelines, 2015. Collection method: clinical testing. Allele origin: germline.
Comment: This missense variant replaces threonine with isoleucine at codon 200 of the BRCA2 protein. Computational prediction suggests that this variant may not impact protein structure and function. A functional study has reported that this variant does not impact BRCA2 protein in homology-directed repair and cisplatin sensitivity assays in Brca2-deficient mouse embryonic stem cells (PMID 29988080). RNA studies have reported partial to no impact on splicing, resulting in the out-of-frame skipping of exon 7 (PMID: 23983145, 26780556). This variant has been detected in at least three individuals affected with breast cancer and in an individual affected with endometrial cancer (PMID: 33471991, 33484353; Leiden Open Variation Database DB-ID BRCA2_000713; Color internal data). This variant has been identified in 1/251382 chromosomes in the general population by the Genome Aggregation Database (gnomAD). The available evidence is insufficient to determine the role of this variant in disease conclusively. Therefore, this variant is classified as a Variant of Uncertain Significance.

Molecular Diagnostics Laboratory, Catalan Institute of Oncology
Classification: Likely benign for Hereditary cancer-predisposing syndrome. Last evaluated: 2024-10-20. Review status: criteria provided, single submitter. Criteria: ClinGen BRCA1BRCA2 ACMG Specifications BRCA2 V1.0.0. Collection method: clinical testing. Allele origin: germline.
Comment: BS3 c.599C>T located in exon 7 of the BRCA2 gene, is predicted to result in the substitution of threonine by isoleucine at codon 200, p.(Thr200Ile).This position is outside a (potentially) clinically important functional domain but the SpliceAI algorithm results in a non-informative deltascore (0.15) for the effect of this variant on splicing. This variant is found in 1/236844 in the gnomAD v2.1.1 database, exome non-cancer data set. This variant has been reported in the ClinVar database (3x uncertain significance, 5x likely benign) in the LOVD database (2x uncertain significance, 1x not classified) and in BRCA Exchange database as not yet reviewed. Results from one calibrated study with cDNA based design not considered for code application (PMID:32444794). Reported by one calibrated study incorporating mRNA splicing effect to affect function similar to benign control variants (PMID:29988080) (BS3). Based on currently available information, the variant c.599C>T is classified as a likely benign variant according to ClinGen-BRCA1 and BRCA2 Guidelines version 1.0.0.

All of Us Research Program, National Institutes of Health
Classification: Uncertain significance for BRCA2-related cancer predisposition. Last evaluated: 2024-07-29. Review status: criteria provided, single submitter. Criteria: ACMG Guidelines, 2015. Collection method: clinical testing. Allele origin: germline. Inheritance: Autosomal dominant inheritance. Observed: 3 variant alleles, 3 heterozygotes.
Comment: This missense variant replaces threonine with isoleucine at codon 200 of the BRCA2 protein. Computational prediction suggests that this variant may not impact protein structure and function (internally defined REVEL score threshold <= 0.5, PMID: 27666373). A functional study has reported that this variant does not impact BRCA2 protein in homology-directed repair and cisplatin sensitivity assays in Brca2-deficient mouse embryonic stem cells (PMID 29988080). RNA studies have reported partial to no impact on splicing, resulting in the out-of-frame skipping of exon 7 (PMID: 23983145, 26780556). This variant has been detected in at least three individuals affected with breast cancer and in an individual affected with endometrial cancer (PMID: 33471991, 33484353; Leiden Open Variation Database DB-ID BRCA2_000713; Color internal data). This variant has been identified in 1/251382 chromosomes in the general population by the Genome Aggregation Database (gnomAD). The available evidence is insufficient to determine the role of this variant in disease conclusively. Therefore, this variant is classified as a Variant of Uncertain Significance.

This study involves interpretation of variants in research participants for the purpose of population health screening. Participant phenotype was not available at the time of variant classification. Additional details can be found in publication PMID: 35346344, PMCID: PMC8962531

Institute for Biomarker Research, Medical Diagnostic Laboratories, L.L.C.
Classification: Uncertain significance for Hereditary breast ovarian cancer syndrome. Last evaluated: 2024-02-20. Review status: criteria provided, single submitter. Criteria: ACMG Guidelines, 2015. Collection method: clinical testing. Allele origin: germline.

Women's Health and Genetics/Laboratory Corporation of America, LabCorp
Classification: Likely benign. Last evaluated: 2022-06-10. Review status: criteria provided, single submitter. Criteria: LabCorp Variant Classification Summary - May 2015. Collection method: clinical testing. Allele origin: germline.
Comment: Variant summary: BRCA2 c.599C>T (p.Thr200Ile) results in a non-conservative amino acid change in the encoded protein sequence. Four of five in-silico tools predict a damaging effect of the variant on protein function. The variant allele was found at a frequency of 4e-06 in 251482 control chromosomes. The available data on variant occurrences in the general population are insufficient to allow any conclusion about variant significance. c.599C>T has been reported in the literature in individuals affected with Hereditary Breast And Ovarian Cancer Syndrome. These reports do not provide unequivocal conclusions about association of the variant with Hereditary Breast And Ovarian Cancer Syndrome. Co-occurrence with a pathogenic variant has been reported (BRCA2 c.2774_2775delCT, p.Ser925TyrfsX10), providing supporting evidence for a benign role. At least two publications report experimental evidence evaluating an impact on protein function. These results showed no damaging effect of this variant (Quiles_2016, Mesman_2018). Five clinical diagnostic laboratories have submitted clinical-significance assessments for this variant to ClinVar after 2014 without evidence for independent evaluation. Multiple laboratories reported the variant with conflicting assessments (likely benign n=3, VUS n=2). Based on the evidence outlined above, the variant was classified as likely benign.

Institute for Clinical Genetics, University Hospital TU Dresden, University Hospital TU Dresden
Classification: Uncertain significance. Last evaluated: 2021-11-03. Review status: criteria provided, single submitter. Criteria: ACMG Guidelines, 2015. Collection method: clinical testing. Allele origin: germline.

GeneDx
Classification: Likely benign. Last evaluated: 2021-04-29. Review status: criteria provided, single submitter. Criteria: GeneDx Variant Classification Process June 2021. Collection method: clinical testing. Allele origin: germline. Affected: yes.
Comment: Observed in individuals with a personal or family history of breast and other cancers (Yang 2017, Maillet 2006, Quiles 2016, Zuntini 2018, Santonocito 2020, Vietri 2021); Published functional studies demonstrate retained homology directed repair activity, ability to rescue cell lethality, and discordant results with respect to splicing (Mesman 2018, Quiles 2016, Di Giacomo 2013); Not observed at a significant frequency in large population cohorts (Lek et al., 2016); In silico analysis supports that this missense variant does not alter protein structure/function; Also known as 827C>T; This variant is associated with the following publications: (PMID: 33484353, 32438681, 30254663, 29988080, 28664506, 22144684, 16875939, 21702907, 26913838, 26780556, 26269718, 23983145)

Ambry Genetics
Classification: Likely benign for Hereditary cancer-predisposing syndrome. Last evaluated: 2020-03-05. Review status: criteria provided, single submitter. Criteria: Ambry Variant Classification Scheme 2023. Collection method: clinical testing. Allele origin: germline.

Department of Medical and Surgical Sciences, University of Bologna
Classification: Likely benign for Breast-ovarian cancer, familial, susceptibility to, 2. Last evaluated: 2023-09-01. Review status: no assertion criteria provided. Collection method: clinical testing. Allele origin: germline. Affected: yes. Not counted in ClinVar's aggregate classification.
Comment: BS1(Supporting)+BS3(Strong)+BP5(Supporting) according to ACMG/AMP classification guidelines specified for BRCA1 & BRCA2 (Classification Criteria V1.0.0 2023-09-08) (PMID: 38160042)

Literature cited by the submitters: PubMed 16875939 (cited by Quest Diagnostics Nichols Institute San Juan Capistrano and Women's Health and Genetics/Laboratory Corporation of America, LabCorp); PubMed 23983145 (cited by 4 submitters); PubMed 29988080 (cited by 4 submitters); PubMed 32438681 (cited by Quest Diagnostics Nichols Institute San Juan Capistrano and Women's Health and Genetics/Laboratory Corporation of America, LabCorp); PubMed 33471991 (cited by 3 submitters); PubMed 33484353 (cited by 3 submitters); PubMed 26780556 (cited by 5 submitters); PubMed 28664506 (cited by 3 submitters); PubMed 30254663 (cited by 3 submitters); PubMed 25085752 (cited by Myriad Genetics, Inc.); PubMed 21702907 (cited by Women's Health and Genetics/Laboratory Corporation of America, LabCorp and Ambry Genetics).